The following is an entry in ClinVar:

NM_177438.3(DICER1):c.1502A>G (p.Gln501Arg)

Gene: DICER1 (dicer 1, ribonuclease III; minus strand). Cytogenetic location: 14q32.13.
Variant type: single nucleotide variant.
Coding change: c.1502A>G on transcript NM_177438.3 (MANE Select); coding-DNA position 1502, A replaced by G.
Protein change: p.Gln501Arg; replaces glutamine 501 with arginine.
Molecular consequence: missense variant. On other transcripts: 5 prime UTR variant (1), non-coding transcript variant (6).
Genome position (GRCh38, 1-based): chr14:95,117,629, T>C on the plus strand (A>G on the coding strand, the complement: DICER1 is on the minus strand). VCF-style: chr14-95117629-T-C. GRCh37 (hg19) VCF-style: chr14-95583966-T-C.
Other names: c.1502A>G, p.Gln501Arg (NM_001195573.1, NM_001271282.3, NM_001291628.2 and 12 more transcripts); c.1220A>G, p.Gln407Arg (NM_001395686.1); c.1097A>G, p.Gln366Arg (NM_001395687.1, NM_001395688.1, NM_001395689.1 and 3 more transcripts); c.935A>G, p.Gln312Arg (NM_001395691.1); c.-67A>G (NM_001395697.1); short protein forms Q312R, Q366R, Q407R, Q501R.
Identifiers: ClinVar variation 4824642 (VCV004824642.1).

ClinVar aggregate classification (germline): Uncertain significance (1 of 4 stars; one submission).

Conditions:
Hereditary cancer-predisposing syndrome. Also called: Neoplastic Syndromes, Hereditary; Hereditary neoplastic syndrome; Tumor predisposition; Hereditary Cancer Syndrome. Identifiers: Orphanet 140162, MedGen C0027672, MeSH D009386, MONDO:0015356.

Submission:

Ambry Genetics
Classification: Uncertain significance for Hereditary cancer-predisposing syndrome. Last evaluated: 2026-02-06. Review status: criteria provided, single submitter. Criteria: Ambry Variant Classification Scheme 2023. Collection method: clinical testing. Allele origin: germline.
Comment: The p.Q501R variant (also known as c.1502A>G), located in coding exon 8 of the DICER1 gene, results from an A to G substitution at nucleotide position 1502. The glutamine at codon 501 is replaced by arginine, an amino acid with highly similar properties. This amino acid position is highly conserved in available vertebrate species. In addition, this alteration is predicted to be deleterious by in silico analysis. Based on the available evidence, the clinical significance of this variant remains unclear.